The following is an entry in ClinVar:

NM_021067.5(GINS1):c.208T>A (p.Leu70Ile)

Gene: GINS1 (GINS complex subunit 1; plus strand). Cytogenetic location: 20p11.21.
Variant type: single nucleotide variant.
Coding change: c.208T>A on transcript NM_021067.5 (MANE Select); coding-DNA position 208, T replaced by A.
Protein change: p.Leu70Ile; replaces leucine 70 with isoleucine.
Molecular consequence: missense variant. On other transcripts: non-coding transcript variant (1), intron variant (1).
Genome position (GRCh38, 1-based): chr20:25,417,171, T>A. VCF-style: chr20-25417171-T-A. GRCh37 (hg19) VCF-style: chr20-25397807-T-A.
Other names: c.208T>A, p.Leu70Ile (NM_001410830.1); c.76-8040T>A (NM_001410831.1); short protein forms L70I.
Identifiers: ClinVar variation 4810524 (VCV004810524.1).

ClinVar aggregate classification (germline): Uncertain significance (1 of 4 stars; one submission).

Submission:

Labcorp Genetics (formerly Invitae), Labcorp
Classification: Uncertain significance. Last evaluated: 2025-09-26. Review status: criteria provided, single submitter. Criteria: Invitae Variant Classification Sherloc (09022015). Collection method: clinical testing. Allele origin: germline.
Comment: This sequence change replaces leucine, which is neutral and non-polar, with isoleucine, which is neutral and non-polar, at codon 70 of the GINS1 protein (p.Leu70Ile). This variant is not present in population databases (gnomAD no frequency). This variant has not been reported in the literature in individuals affected with GINS1-related conditions. An algorithm developed to predict the effect of missense changes on protein structure and function (PolyPhen-2) suggests that this variant is likely to be tolerated. In summary, the available evidence is currently insufficient to determine the role of this variant in disease. Therefore, it has been classified as a Variant of Uncertain Significance.